The following is an entry in ClinVar:

NM_001354712.2(THRB):c.1355C>G (p.Pro452Arg)

Gene: THRB (thyroid hormone receptor beta; minus strand). Cytogenetic location: 3p24.2.
Variant type: single nucleotide variant.
Coding change: c.1355C>G on transcript NM_001354712.2 (MANE Select); coding-DNA position 1355, C replaced by G.
Protein change: p.Pro452Arg; replaces proline 452 with arginine.
Molecular consequence: missense variant.
Genome position (GRCh38, 1-based): chr3:24,122,915, G>C on the plus strand (C>G on the coding strand, the complement: THRB is on the minus strand). VCF-style: chr3-24122915-G-C. GRCh37 (hg19) VCF-style: chr3-24164406-G-C.
Other names: c.1355C>G, p.Pro452Arg (NM_000461.5, NM_001128176.3, NM_001128177.2 and 11 more transcripts); c.1262C>G, p.Pro421Arg (NM_001354714.2, NM_001354715.2); c.1184C>G, p.Pro395Arg (NM_001374827.1); short protein forms P395R, P452R, P421R.
Identifiers: ClinVar variation 3572087 (VCV003572087.1).

ClinVar aggregate classification (germline): Uncertain significance (1 of 4 stars; one submission).

Submission:

Quest Diagnostics Nichols Institute San Juan Capistrano
Classification: Uncertain significance. Last evaluated: 2023-11-28. Review status: criteria provided, single submitter. Criteria: Quest Diagnostics criteria. Collection method: clinical testing. Allele origin: unknown.
Comment: The THRB c.1355C>G (p.Pro452Arg) variant has been reported in the published literature in an individual with resistance to thyroid hormone (RTH) (PMID: 24722129 (2014)). Two other variants at this codon, p.Pro452Leu and p.Pro452Ser, have also been reported in individuals with RTH (PMIDs: 27168936 (2016), 29262478 (2017)). The p.Pro452Arg variant has not been reported in large, multi-ethnic general populations (Genome Aggregation Database). Analysis of this variant using bioinformatics tools for the prediction of the effect of amino acid changes on protein structure and function yielded predictions that this variant is damaging. Based on the available information, we are unable to determine the clinical significance of this variant.

Literature cited by the submitters: PubMed 24722129.